The following is an entry in ClinVar:

ClinVar aggregate classification (germline): Benign/Likely benign. Review status: criteria provided, multiple submitters, no conflicts (2 of 4 stars). 4 submissions from 4 submitters: Benign (1); Likely benign (3). Last evaluated 2026-02-01.

Conditions:
MHC class II deficiency. Also called: Bare lymphocyte syndrome 2; BLS, TYPE II. Identifiers: Orphanet 572, MedGen C5447452, MONDO:0008855.

Allele frequency attached by ClinVar (database versions not stated): gnomAD exomes 0.00035; ExAC 0.00046; 1000 Genomes Project 30x 0.00141; ESP Exome Variant Server 0.00146; gnomAD 0.00159 and 0.00167; 1000 Genomes Project 0.00160; TOPMed 0.00172.
gnomAD v4.1: 440 of 1,614,252 alleles (0.027%); highest among the groups gnomAD compares: African/African-American, 0.52%; no homozygotes.

Submissions (4):

Labcorp Genetics (formerly Invitae), Labcorp
Classification: Benign for MHC class II deficiency. Last evaluated: 2026-02-01. Review status: criteria provided, single submitter. Criteria: Invitae Variant Classification Sherloc (09022015). Collection method: clinical testing. Allele origin: germline.

Blueprint Genetics
Classification: Likely benign. Last evaluated: 2024-03-28. Review status: criteria provided, single submitter. Criteria: ACMG Guidelines, 2015. Collection method: clinical testing. Allele origin: germline.

Genome-Nilou Lab
Classification: Likely benign for MHC class II deficiency 1. Last evaluated: 2023-04-11. Review status: criteria provided, single submitter. Criteria: ACMG Guidelines, 2015. Collection method: clinical testing. Allele origin: germline. Affected: no.

Illumina Laboratory Services, Illumina
Classification: Likely benign for MHC class II deficiency 1. Last evaluated: 2018-01-13. Review status: criteria provided, single submitter. Criteria: ICSL Variant Classification Criteria 13 December 2019. Collection method: clinical testing. Allele origin: germline.
Comment: This variant was observed in the ICSL laboratory as part of a predisposition screen in an ostensibly healthy population. It had not been previously curated by ICSL or reported in the Human Gene Mutation Database (HGMD: prior to June 1st, 2018), and was therefore a candidate for classification through an automated scoring system. Utilizing variant allele frequency, disease prevalence and penetrance estimates, and inheritance mode, an automated score was calculated to assess if this variant is too frequent to cause the disease. Based on the score and internal cut-off values, a variant classified as likely benign is not then subjected to further curation. The score for this variant resulted in a classification of likely benign for this disease.

NM_001025603.2(RFX5):c.1379G>A (p.Ser460Asn)

Gene: RFX5 (regulatory factor X5; minus strand). Cytogenetic location: 1q21.3.
Variant type: single nucleotide variant.
Coding change: c.1379G>A on transcript NM_001025603.2 (MANE Select); coding-DNA position 1379, G replaced by A.
Protein change: p.Ser460Asn; replaces serine 460 with asparagine.
Molecular consequence: missense variant.
Genome position (GRCh38, 1-based): chr1:151,342,658, C>T on the plus strand (G>A on the coding strand, the complement: RFX5 is on the minus strand). VCF-style: chr1-151342658-C-T. GRCh37 (hg19) VCF-style: chr1-151315134-C-T.
Other names: c.1379G>A, p.Ser460Asn (NM_000449.4, NM_001379412.1, NM_001379413.1 and 5 more transcripts); c.1259G>A, p.Ser420Asn (NM_001379419.1, NM_001379420.1); short protein forms S460N, S420N.
Identifiers: ClinVar variation 733548 (VCV000733548.16), dbSNP rs142053610, ClinGen allele CA1089615.